The following is an entry in ClinVar:

NM_012463.4(ATP6V0A2):c.581dup (p.Val195fs)

Gene: ATP6V0A2 (ATPase H+ transporting V0 subunit a2; plus strand). Cytogenetic location: 12q24.31.
Variant type: Duplication.
Coding change: c.581dup on transcript NM_012463.4 (MANE Select); coding-DNA position 581, one base duplicated (G; older notation c.581dupG).
Protein change: p.Val195fs; shifts the reading frame from valine 195.
Molecular consequence: frameshift variant.
Genome position (GRCh38, 1-based): chr12:123,727,842, G duplicated. VCF-style (leftmost placement, unchanged base first): chr12-123727841-A-AG. GRCh37 (hg19) VCF-style: chr12-124212388-A-AG.
Other names: short protein forms V195fs.
Identifiers: ClinVar variation 4728201 (VCV004728201.1).
Genomic context (GRCh38, chr12:123,727,841, plus strand): 5'-AGATTTGTGTCTGGCCTAATTAACCAAGGAAAAGTGGAAGCATTTGAAAAAATGTTGTGG[A>AG]GAGTCTGCAAAGGGTACACCATCGTGTCCTATGCAGAACTGGATGAATCCCTTGAAGACC-3'

ClinVar aggregate classification (germline): Pathogenic (1 of 4 stars; one submission).

Conditions:
ALG9 congenital disorder of glycosylation (CDG1L). Also called: CONGENITAL DISORDER OF GLYCOSYLATION, TYPE Il; ALG9-CDG; CDG Il. Identifiers: Orphanet 79328, MedGen C2931006, MONDO:0012117, OMIM 608776.

Submission:

Labcorp Genetics (formerly Invitae), Labcorp
Classification: Pathogenic for ALG9 congenital disorder of glycosylation. Last evaluated: 2025-09-30. Review status: criteria provided, single submitter. Criteria: Invitae Variant Classification Sherloc (09022015). Collection method: clinical testing. Allele origin: germline.
Comment: This sequence change creates a premature translational stop signal (p.Val195Serfs*15) in the ATP6V0A2 gene. It is expected to result in an absent or disrupted protein product. Loss-of-function variants in ATP6V0A2 are known to be pathogenic (PMID: 18157129, 19321599). This variant is not present in population databases (gnomAD no frequency). This variant has not been reported in the literature in individuals affected with ATP6V0A2-related conditions. For these reasons, this variant has been classified as Pathogenic.

Literature cited by the submitters: PubMed 18157129; PubMed 19321599.